The following is an entry in ClinVar:

ClinVar aggregate classification (germline): Uncertain significance (1 of 4 stars; one submission).

Submission:

Labcorp Genetics (formerly Invitae), Labcorp
Classification: Uncertain significance. Last evaluated: 2022-08-25. Review status: criteria provided, single submitter. Criteria: Invitae Variant Classification Sherloc (09022015). Collection method: clinical testing. Allele origin: germline.
Comment: In summary, the available evidence is currently insufficient to determine the role of this variant in disease. Therefore, it has been classified as a Variant of Uncertain Significance. Algorithms developed to predict the effect of sequence changes on RNA splicing suggest that this variant may create or strengthen a splice site. Algorithms developed to predict the effect of missense changes on protein structure and function are either unavailable or do not agree on the potential impact of this missense change (SIFT: "Tolerated"; PolyPhen-2: "Not Available"; Align-GVGD: "Class C0"). This variant has not been reported in the literature in individuals affected with DDX3X-related conditions. This variant is not present in population databases (gnomAD no frequency). This sequence change replaces glycine, which is neutral and non-polar, with valine, which is neutral and non-polar, at codon 582 of the DDX3X protein (p.Gly582Val).

NM_001356.5(DDX3X):c.1745G>T (p.Gly582Val)

Gene: DDX3X (DEAD-box helicase 3 X-linked; plus strand). Cytogenetic location: Xp11.4.
Variant type: single nucleotide variant.
Coding change: c.1745G>T on transcript NM_001356.5 (MANE Select); coding-DNA position 1745, G replaced by T.
Protein change: p.Gly582Val; replaces glycine 582 with valine.
Molecular consequence: missense variant. On other transcripts: non-coding transcript variant (1).
Genome position (GRCh38, 1-based): chrX:41,346,988, G>T. VCF-style: chrX-41346988-G-T. GRCh37 (hg19) VCF-style: chrX-41206241-G-T.
Other names: c.1745G>T, p.Gly582Val (NM_001193416.3); c.1697G>T, p.Gly566Val (NM_001193417.3); c.1187G>T, p.Gly396Val (NM_001363819.1); short protein forms G396V, G566V, G582V.
Identifiers: ClinVar variation 1718003 (VCV001718003.5), dbSNP rs2519525885, ClinGen allele CA412778131.